The following is an entry in ClinVar:

ClinVar aggregate classification (germline): Likely benign. Review status: criteria provided, multiple submitters, no conflicts (2 of 4 stars). 3 submissions from 3 submitters: Likely benign (3). Last evaluated 2024-02-06.

Conditions:
Spastic paraplegia. Identifiers: MedGen C0037772, HP:0001258.

Allele frequency attached by ClinVar (database versions not stated): gnomAD exomes 0.00001; TOPMed 0.00001.
gnomAD v4.1: 11 of 1,614,110 alleles (0.00068%); highest among the groups gnomAD compares: Non-Finnish European, 0.00093%; no homozygotes.

Submissions (3):

Labcorp Genetics (formerly Invitae), Labcorp
Classification: Likely benign for Spastic paraplegia. Last evaluated: 2024-02-06. Review status: criteria provided, single submitter. Criteria: Invitae Variant Classification Sherloc (09022015). Collection method: clinical testing. Allele origin: germline.

CeGaT Center for Human Genetics Tuebingen
Classification: Likely benign. Last evaluated: 2023-01-01. Review status: criteria provided, single submitter. Criteria: CeGaT Center For Human Genetics Tuebingen Variant Classification Criteria Version 2. Collection method: clinical testing. Allele origin: germline. Affected: yes. Observed: 1 variant allele.
Comment: ZFYVE26: PM2:Supporting, BP4, BP7

Blueprint Genetics
Classification: Likely benign. Last evaluated: 2020-10-08. Review status: criteria provided, single submitter. Criteria: ACMG Guidelines, 2015. Collection method: clinical testing. Allele origin: germline.

NM_015346.4(ZFYVE26):c.1233T>C (p.Ala411=)

Gene: ZFYVE26 (zinc finger FYVE-type containing 26; minus strand). Cytogenetic location: 14q24.1.
Variant type: single nucleotide variant.
Coding change: c.1233T>C on transcript NM_015346.4 (MANE Select); coding-DNA position 1233, T replaced by C.
Protein change: p.Ala411=; no amino-acid change (alanine 411 retained).
Molecular consequence: synonymous variant.
Genome position (GRCh38, 1-based): chr14:67,805,255, A>G on the plus strand (T>C on the coding strand, the complement: ZFYVE26 is on the minus strand). VCF-style: chr14-67805255-A-G. GRCh37 (hg19) VCF-style: chr14-68271972-A-G.
Identifiers: ClinVar variation 1111794 (VCV001111794.33), dbSNP rs1351690810, ClinGen allele CA486780076.